The following is an entry in ClinVar:

ClinVar aggregate classification (germline): Pathogenic (1 of 4 stars; one submission).

Submission:

ISCA site 4
Classification: Pathogenic. Last evaluated: 2011-08-12. Review status: criteria provided, single submitter. Criteria: Kaminsky et al. (Genet Med. 2011). Collection method: clinical testing. Allele origin: de novo. Affected: yes. Observed: 1 variant allele.
Comment: Copy number variation identified through the course of routine clinical cytogenomic testing in postnatal populations. Clinical assertions have been curated as described in Kaminsky et al. 2011.

GRCh38/hg38 22q12.1-12.3(chr22:26979579-33992220)x3

Genes: MIR3199-2 (microRNA 3199-2; plus strand), MIR3200 (microRNA 3200; plus strand), MIR3928 (microRNA 3928; minus strand), MORC2 (MORC family CW-type zinc finger 2; minus strand), MORC2-AS1 (MORC2 antisense RNA 1; plus strand) and 305 more. Cytogenetic location: 22q12.1-12.3.
Variant type: copy number gain.
Change: copy number 3 (three copies instead of two) of chr22:26,979,579-33,992,220 (7.01 Mb, GRCh38 coordinates, 1-based), cytogenetic band 22q12.1-12.3.
Identifiers: ClinVar variation 57002 (VCV000057002.1).